The following is an entry in ClinVar:

ClinVar aggregate classification (germline): Pathogenic (1 of 4 stars; one submission).

Conditions:
Developmental and epileptic encephalopathy, 8 (DEE8). Also called: HYPEREKPLEXIA AND EPILEPSY. Identifiers: Orphanet 163985, Orphanet 2076, MedGen C1845102, MONDO:0010375, OMIM 300607.

Submission:

Labcorp Genetics (formerly Invitae), Labcorp
Classification: Pathogenic for Developmental and epileptic encephalopathy, 8. Last evaluated: 2022-02-05. Review status: criteria provided, single submitter. Criteria: Invitae Variant Classification Sherloc (09022015). Collection method: clinical testing. Allele origin: germline.
Comment: For these reasons, this variant has been classified as Pathogenic. ClinVar contains an entry for this variant (Variation ID: 1076014). This variant has not been reported in the literature in individuals affected with ARHGEF9-related conditions. This variant is not present in population databases (gnomAD no frequency). This sequence change creates a premature translational stop signal (p.Glu377*) in the ARHGEF9 gene. It is expected to result in an absent or disrupted protein product. Loss-of-function variants in ARHGEF9 are known to be pathogenic (PMID: 25678704, 26834553, 28589176).

Literature cited by the submitters: PubMed 25678704; PubMed 26834553; PubMed 28589176.

NM_001353921.2(ARHGEF9):c.1150G>T (p.Glu384Ter)

Gene: ARHGEF9 (Cdc42 guanine nucleotide exchange factor 9; minus strand). Cytogenetic location: Xq11.1.
Variant type: single nucleotide variant.
Coding change: c.1150G>T on transcript NM_001353921.2 (MANE Select); coding-DNA position 1150, G replaced by T.
Protein change: p.Glu384Ter; replaces glutamic acid 384 with a stop codon.
Molecular consequence: nonsense. On other transcripts: intron variant (2).
Genome position (GRCh38, 1-based): chrX:63,655,665, C>A on the plus strand (G>T on the coding strand, the complement: ARHGEF9 is on the minus strand). VCF-style: chrX-63655665-C-A. GRCh37 (hg19) VCF-style: chrX-62875545-C-A.
Other names: c.970G>T, p.Glu324Ter (NM_001173479.2); c.823G>T, p.Glu275Ter (NM_001173480.2, NM_001369042.1); c.1066G>T, p.Glu356Ter (NM_001330495.2, NM_001369033.1, NM_001369034.1 and 4 more transcripts); c.1018G>T, p.Glu340Ter (NM_001353922.2); c.1168G>T, p.Glu390Ter (NM_001353923.1); c.949G>T, p.Glu317Ter (NM_001353924.2, NM_001353926.2, NM_001369039.1 and 1 more transcripts); c.934G>T, p.Glu312Ter (NM_001353927.2, NM_001369041.1); c.997G>T, p.Glu333Ter (NM_001353928.2); and 3 more; short protein forms E195*, E275*, E312*, E317*, E324*, E333*, E340*, E356*.
Identifiers: ClinVar variation 1076014 (VCV001076014.7), dbSNP rs2147218558, ClinGen allele CA413404674.